The following is an entry in ClinVar:

ClinVar aggregate classification (germline): Likely pathogenic (1 of 4 stars; one submission).

Conditions:
KIF7-related disorder. Also called: KIF7-related condition.

Submission:

PreventionGenetics, part of Exact Sciences
Classification: Likely pathogenic for KIF7-related condition. Last evaluated: 2023-06-08. Review status: criteria provided, single submitter. Criteria: ACMG Guidelines, 2015. Collection method: clinical testing. Allele origin: germline.
Comment: The KIF7 c.329-1G>C variant is predicted to disrupt the AG splice acceptor site and interfere with normal splicing. To our knowledge, this variant has not been reported in the literature or in a large population database, indicating this variant is rare. Variants that disrupt the consensus splice acceptor site in KIF7 are expected to be pathogenic. This variant is interpreted as likely pathogenic.

NM_198525.3(KIF7):c.329-1G>C

Gene: KIF7 (kinesin family member 7; minus strand). Cytogenetic location: 15q26.1.
Variant type: single nucleotide variant.
Coding change: c.329-1G>C on transcript NM_198525.3 (MANE Select); the canonical splice acceptor site of the intron before coding-DNA position 329, G replaced by C.
Molecular consequence: splice acceptor variant.
Genome position (GRCh38, 1-based): chr15:89,649,942, C>G on the plus strand (G>C on the coding strand, the complement: KIF7 is on the minus strand). VCF-style: chr15-89649942-C-G. GRCh37 (hg19) VCF-style: chr15-90193173-C-G.
Identifiers: ClinVar variation 2632682 (VCV002632682.1), dbSNP rs2505502773, ClinGen allele CA393778529.